The following is an entry in ClinVar:

ClinVar aggregate classification (germline): Conflicting classifications of pathogenicity. Review status: criteria provided, conflicting classifications (1 of 4 stars). 7 submissions from 6 submitters: Uncertain significance (6); Benign (1). Last evaluated 2025-12-03.

Conditions:
Hereditary cancer-predisposing syndrome. Also called: Neoplastic Syndromes, Hereditary; Hereditary Cancer Syndrome; Tumor predisposition; Hereditary neoplastic syndrome. Identifiers: Orphanet 140162, MedGen C0027672, MeSH D009386, MONDO:0015356.
Cardiovascular phenotype. Identifiers: MedGen CN230736.
Neurofibromatosis, type 1 (NF1). Also called: Peripheral type neurofibromatosis; Neurofibromatosis, type I; VON RECKLINGHAUSEN DISEASE; NEUROFIBROMATOSIS, TYPE I, SOMATIC. Identifiers: Orphanet 636, MedGen C0027831, MONDO:0018975, OMIM 162200. Disease mechanism: loss of function.
Juvenile myelomonocytic leukemia (JMML). Also called: LEUKEMIA, JUVENILE MYELOMONOCYTIC, SOMATIC. Identifiers: Orphanet 86834, MedGen C0349639, MONDO:0011908, OMIM 607785, HP:0012209.

Allele frequency attached by ClinVar (database versions not stated): gnomAD exomes below 0.00001; TOPMed below 0.00001; ExAC 0.00001; gnomAD 0.00001.
gnomAD v4.1: 9 of 1,613,570 alleles (0.00056%); highest among the groups gnomAD compares: Non-Finnish European, 0.00059%; no homozygotes.

Submissions (7):

Labcorp Genetics (formerly Invitae), Labcorp
Classification: Benign for Neurofibromatosis, type 1. Last evaluated: 2025-12-03. Review status: criteria provided, single submitter. Criteria: Invitae Variant Classification Sherloc (09022015). Collection method: clinical testing. Allele origin: germline.

Ambry Genetics
Classification: Uncertain significance for Cardiovascular phenotype; Hereditary cancer-predisposing syndrome. Last evaluated: 2024-11-30. Review status: criteria provided, single submitter. Criteria: Ambry Variant Classification Scheme 2023. Collection method: clinical testing. Allele origin: germline.

Blueprint Genetics
Classification: Uncertain significance. Last evaluated: 2024-09-24. Review status: criteria provided, single submitter. Criteria: ACMG Guidelines, 2015. Collection method: clinical testing. Allele origin: germline.

Baylor Genetics
Classification: Uncertain significance for Juvenile myelomonocytic leukemia. Last evaluated: 2024-01-02. Review status: criteria provided, single submitter. Criteria: ACMG Guidelines, 2015. Collection method: clinical testing. Allele origin: unknown.

Genome-Nilou Lab
Classification: Uncertain significance for Neurofibromatosis, type 1. Last evaluated: 2022-03-15. Review status: criteria provided, single submitter. Criteria: ACMG Guidelines, 2015. Collection method: clinical testing. Allele origin: germline. Affected: no.

Laboratory for Molecular Medicine, Mass General Brigham Personalized Medicine
Classification: Uncertain significance. Last evaluated: 2017-12-14. Review status: criteria provided, single submitter. Criteria: LMM Criteria. Collection method: clinical testing. Allele origin: germline. Observed: 2 variant alleles.
Comment: Variant classified as Uncertain Significance - Favor Benign. This variant has also been identified in 1/111304 European chromosomes by the Genome Aggregation Database (gnomAD; dbSNP rs755670 651). Computational prediction tools and conservation analysis do not provide st rong support for or against an impact to the protein. In summary, while the clin ical significance of the p.Val288Met variant is uncertain, its identification in an unaffected individual suggests that it is more likely to be benign. ACMG/AMP criteria applied: BS2.

Ambry Genetics
Classification: Uncertain significance for Hereditary cancer-predisposing syndrome. Last evaluated: 2015-03-30. Review status: criteria provided, single submitter. Criteria: Ambry Autosomal Dominant and X-Linked criteria (10/2015). Collection method: clinical testing. Allele origin: germline. Observed: 1 variant allele.
Comment: The p.V288M variant (also known as c.862G>A), located in coding exon 8 of the NF1 gene, results from a G to A substitution at nucleotide position 862. The valine at codon 288 is replaced by methionine, an amino acid with highly similar properties. This variant was not reported in population based cohorts in the following databases: Database of Single Nucleotide Polymorphisms (dbSNP), NHLBI Exome Sequencing Project (ESP), and 1000 Genomes Project. In the ESP, this variant was not observed in 6502 samples (13004 alleles) with coverage at this position. To date, this alteration has been detected with an allele frequency of approximately 0.003% (greater than 30000alleles tested) in our clinical cohort.This amino acid position is well conserved in available vertebrate species. In addition, the in silico prediction for this alteration is inconclusive.Since supporting evidence is limited at this time, the clinical significance of p.V288Mremains unclear.

Literature cited by the submitters: PubMed 22608206 (cited by Laboratory for Molecular Medicine, Mass General Brigham Personalized Medicine and Ambry Genetics).

NM_001042492.3(NF1):c.862G>A (p.Val288Met)

Gene: NF1 (neurofibromin 1; plus strand). Cytogenetic location: 17q11.2.
Variant type: single nucleotide variant.
Coding change: c.862G>A on transcript NM_001042492.3 (MANE Select); coding-DNA position 862, G replaced by A.
Protein change: p.Val288Met; replaces valine 288 with methionine.
Molecular consequence: missense variant.
Genome position (GRCh38, 1-based): chr17:31,182,639, G>A. VCF-style: chr17-31182639-G-A. GRCh37 (hg19) VCF-style: chr17-29509657-G-A.
Other names: c.862G>A, p.Val288Met (NM_000267.4, NM_001128147.3); short protein forms V288M.
Identifiers: ClinVar variation 231063 (VCV000231063.21), dbSNP rs755670651, ClinGen allele CA8485645.